The following is an entry in ClinVar:

ClinVar aggregate classification (germline): Uncertain significance (1 of 4 stars; one submission).

Conditions:
Arrhythmogenic right ventricular dysplasia 13. Also called: ARRHYTHMOGENIC RIGHT VENTRICULAR CARDIOMYOPATHY 13; Arrhythmogenic right ventricular dysplasia, familial, 13. Identifiers: MedGen C3810138, MONDO:0000908, OMIM 615616.

Submission:

Labcorp Genetics (formerly Invitae), Labcorp
Classification: Uncertain significance for Arrhythmogenic right ventricular dysplasia 13. Last evaluated: 2021-04-23. Review status: criteria provided, single submitter. Criteria: Invitae Variant Classification Sherloc (09022015). Collection method: clinical testing. Allele origin: germline.
Comment: In summary, the available evidence is currently insufficient to determine the role of this variant in disease. Therefore, it has been classified as a Variant of Uncertain Significance. This variant has not been reported in the literature in individuals with CTNNA3-related conditions. This variant is not present in population databases (ExAC no frequency). This sequence change creates a premature translational stop signal (p.Glu267Hisfs*19) in the CTNNA3 gene. It is expected to result in an absent or disrupted protein product. However, the current clinical and genetic evidence is not sufficient to establish whether loss-of-function variants in CTNNA3 cause disease.

NM_013266.4(CTNNA3):c.793_797dup (p.Glu267fs)

Gene: CTNNA3 (catenin alpha 3; minus strand). Cytogenetic location: 10q21.3.
Variant type: Duplication.
Coding change: c.793_797dup on transcript NM_013266.4 (MANE Select); coding-DNA positions 793 to 797, 5 bases duplicated (CCACC; older notation c.793_797dupCCACC).
Protein change: p.Glu267fs; shifts the reading frame from glutamic acid 267.
Molecular consequence: frameshift variant.
Genome position (GRCh38, 1-based): chr10:67,219,653-67,219,657, GGTGG duplicated on the plus strand (CCACC on the coding strand, the reverse complement: CTNNA3 is on the minus strand); duplicating any 5 consecutive bases within chr10:67,219,653-67,219,660 gives the same sequence; the c. name uses the placement nearest the transcript's 3' end. VCF-style (leftmost placement, unchanged base first): chr10-67219652-T-TGGTGG. GRCh37 (hg19) VCF-style: chr10-68979410-T-TGGTGG.
Other names: c.793_797dup, p.Glu267fs (NM_001127384.3); c.829_833dup, p.Glu279fs (NM_001291133.2); short protein forms E279fs, E267fs.
Identifiers: ClinVar variation 1347543 (VCV001347543.6), dbSNP rs2132264737, ClinGen allele CA2573145226.